The following is an entry in ClinVar:

ClinVar aggregate classification (germline): Benign. Review status: criteria provided, multiple submitters, no conflicts (2 of 4 stars). 3 submissions from 2 submitters: Benign (3). Last evaluated 2026-02-02.

Conditions:
Alpha-N-acetylgalactosaminidase deficiency type 1. Also called: SCHINDLER DISEASE, TYPE I; ALPHA-N-ACETYLGALACTOSAMINIDASE DEFICIENCY, TYPE I; NAGA DEFICIENCY, TYPE I; NEUROAXONAL DYSTROPHY, SCHINDLER TYPE. Identifiers: Orphanet 3137, Orphanet 79279, Orphanet 79281, MedGen C1836544, MONDO:0012221, OMIM 609241.
Alpha-N-acetylgalactosaminidase deficiency type 2. Also called: ALPHA-N-ACETYLGALACTOSAMINIDASE DEFICIENCY, TYPE II; NAGA DEFICIENCY, TYPE II; SCHINDLER DISEASE, TYPE II. Identifiers: Orphanet 3137, Orphanet 79280, MedGen C1836522, MONDO:0012222, OMIM 609242.

Allele frequency attached by ClinVar (database versions not stated): ESP Exome Variant Server 0.00008; gnomAD 0.00063 and 0.00096; gnomAD exomes 0.00067 and 0.00215; TOPMed 0.00150; ExAC 0.00215; 1000 Genomes Project 30x 0.00422; 1000 Genomes Project 0.00519.
gnomAD v4.1: 1,158 of 1,613,638 alleles (0.072%); highest among the groups gnomAD compares: East Asian, 2%; 10 homozygotes.

Submissions (12):

Labcorp Genetics (formerly Invitae), Labcorp
Classification: Benign for Alpha-N-acetylgalactosaminidase deficiency type 1. Last evaluated: 2026-02-02. Review status: criteria provided, single submitter. Criteria: Invitae Variant Classification Sherloc (09022015). Collection method: clinical testing. Allele origin: germline.

Illumina Laboratory Services, Illumina
Classification: Benign for Alpha-N-acetylgalactosaminidase deficiency type 2. Last evaluated: 2018-01-12. Review status: criteria provided, single submitter. Criteria: ICSL Variant Classification Criteria 13 December 2019. Collection method: clinical testing. Allele origin: germline.
Comment: This variant was observed in the ICSL laboratory as part of a predisposition screen in an ostensibly healthy population. It had not been previously curated by ICSL or reported in the Human Gene Mutation Database (HGMD: prior to June 1st, 2018), and was therefore a candidate for classification through an automated scoring system. Utilizing variant allele frequency, disease prevalence and penetrance estimates, and inheritance mode, an automated score was calculated to assess if this variant is too frequent to cause the disease. Based on the score and internal cut-off values, a variant classified as benign is not then subjected to further curation. The score for this variant resulted in a classification of benign for this disease.

Illumina Laboratory Services, Illumina
Classification: Benign for Alpha-N-acetylgalactosaminidase deficiency type 1. Last evaluated: 2018-01-12. Review status: criteria provided, single submitter. Criteria: ICSL Variant Classification Criteria 13 December 2019. Collection method: clinical testing. Allele origin: germline.
Comment: the same text as in the submission from Illumina Laboratory Services, Illumina above.

Dr. Peter K. Rogan Lab, Western University
No classification provided (evidence only). Condition: Familial cancer of breast. Review status: no classification provided. Collection method: in vitro. Allele origin: not applicable. Functional consequence: retained intron. Not counted in ClinVar's aggregate classification.

Dr. Peter K. Rogan Lab, Western University
No classification provided (evidence only). Condition: Familial cancer of breast. Review status: no classification provided. Collection method: in vitro. Allele origin: not applicable. Functional consequence: retained intron. Not counted in ClinVar's aggregate classification.

Dr. Peter K. Rogan Lab, Western University
No classification provided (evidence only). Condition: Familial cancer of breast. Review status: no classification provided. Collection method: in vitro. Allele origin: not applicable. Functional consequence: retained intron. Not counted in ClinVar's aggregate classification.

Dr. Peter K. Rogan Lab, Western University
No classification provided (evidence only). Condition: Cervical cancer. Review status: no classification provided. Collection method: in vitro. Allele origin: not applicable. Functional consequence: retained intron. Not counted in ClinVar's aggregate classification.

Dr. Peter K. Rogan Lab, Western University
No classification provided (evidence only). Condition: Gastric cancer. Review status: no classification provided. Collection method: in vitro. Allele origin: not applicable. Functional consequence: retained intron. Not counted in ClinVar's aggregate classification.

Dr. Peter K. Rogan Lab, Western University
No classification provided (evidence only). Condition: Gastric cancer. Review status: no classification provided. Collection method: in vitro. Allele origin: not applicable. Functional consequence: retained intron. Not counted in ClinVar's aggregate classification.

Dr. Peter K. Rogan Lab, Western University
No classification provided (evidence only). Condition: Gastric cancer. Review status: no classification provided. Collection method: in vitro. Allele origin: not applicable. Functional consequence: retained intron. Not counted in ClinVar's aggregate classification.

Dr. Peter K. Rogan Lab, Western University
No classification provided (evidence only). Condition: Gastric cancer. Review status: no classification provided. Collection method: in vitro. Allele origin: not applicable. Functional consequence: retained intron. Not counted in ClinVar's aggregate classification.

Dr. Peter K. Rogan Lab, Western University
No classification provided (evidence only). Condition: Malignant tumor of esophagus. Review status: no classification provided. Collection method: in vitro. Allele origin: not applicable. Functional consequence: retained intron. Not counted in ClinVar's aggregate classification.

NM_000262.3(NAGA):c.760-7C>A

Gene: NAGA (alpha-N-acetylgalactosaminidase; minus strand). Cytogenetic location: 22q13.2.
Variant type: single nucleotide variant.
Coding change: c.760-7C>A on transcript NM_000262.3 (MANE Select); 7 bases into the intron before coding-DNA position 760, C replaced by A.
Molecular consequence: intron variant.
Genome position (GRCh38, 1-based): chr22:42,063,031, G>T on the plus strand (C>A on the coding strand, the complement: NAGA is on the minus strand). VCF-style: chr22-42063031-G-T. GRCh37 (hg19) VCF-style: chr22-42459035-G-T.
Other names: c.760-7C>A (NM_001362850.1, NM_001362848.1).
Identifiers: ClinVar variation 341908 (VCV000341908.15), dbSNP rs150693978, ClinGen allele CA10263690.